The following is an entry in ClinVar:

ClinVar aggregate classification (germline): Uncertain significance. Review status: criteria provided, multiple submitters, no conflicts (2 of 4 stars). 2 submissions from 2 submitters: Uncertain significance (2). Last evaluated 2022-03-31.

Conditions:
Mucopolysaccharidosis type 1. Also called: IDUA deficiency; MPS I; Mucopolysaccharidosis Type I. Identifiers: Orphanet 579, MedGen C0023786, MONDO:0001586.
Mucopolysaccharidosis, MPS-I-S. Also called: MPS V; MUCOPOLYSACCHARIDOSIS TYPE V; Scheie Syndrome; MUCOPOLYSACCHARIDOSIS TYPE IS. Identifiers: Orphanet 93474, MedGen C0026708, MONDO:0011760, OMIM 607016.
Hurler syndrome. Also called: Gargoylism, Hurler Syndrome; MUCOPOLYSACCHARIDOSIS TYPE IH; Severe MPS I (Hurler Syndrome). Identifiers: Orphanet 93473, MedGen C0086795, MONDO:0011758, OMIM 607014.
Mucopolysaccharidosis, MPS-I-H/S. Also called: Mucopolysaccharidosis type IH/S. Identifiers: Orphanet 93476, MedGen C0086431, MONDO:0011759, OMIM 607015.

Allele frequency attached by ClinVar (database versions not stated): gnomAD exomes 0.00001 and below 0.00001; TOPMed 0.00002; gnomAD 0.00001; ExAC 0.00002.
gnomAD v4.1: 5 of 1,601,140 alleles (0.00031%); highest among the groups gnomAD compares: East Asian, 0.0067%; no homozygotes.

Submissions (2):

Fulgent Genetics
Classification: Uncertain significance for Hurler syndrome; Mucopolysaccharidosis, MPS-I-H/S; Mucopolysaccharidosis, MPS-I-S. Last evaluated: 2022-03-31. Review status: criteria provided, single submitter. Criteria: ACMG Guidelines, 2015. Collection method: clinical testing. Allele origin: unknown.

Labcorp Genetics (formerly Invitae), Labcorp
Classification: Uncertain significance for Mucopolysaccharidosis type 1. Last evaluated: 2022-02-01. Review status: criteria provided, single submitter. Criteria: Invitae Variant Classification Sherloc (09022015). Collection method: clinical testing. Allele origin: germline.
Comment: This sequence change replaces asparagine, which is neutral and polar, with lysine, which is basic and polar, at codon 200 of the IDUA protein (p.Asn200Lys). This variant is present in population databases (rs763375487, gnomAD 0.02%). This variant has not been reported in the literature in individuals affected with IDUA-related conditions. Algorithms developed to predict the effect of missense changes on protein structure and function (SIFT, PolyPhen-2, Align-GVGD) all suggest that this variant is likely to be disruptive. In summary, the available evidence is currently insufficient to determine the role of this variant in disease. Therefore, it has been classified as a Variant of Uncertain Significance.

NM_000203.5(IDUA):c.600C>G (p.Asn200Lys)

Gene: IDUA (alpha-L-iduronidase; plus strand). Cytogenetic location: 4p16.3.
Variant type: single nucleotide variant.
Coding change: c.600C>G on transcript NM_000203.5 (MANE Select); coding-DNA position 600, C replaced by G.
Protein change: p.Asn200Lys; replaces asparagine 200 with lysine.
Molecular consequence: missense variant. On other transcripts: non-coding transcript variant (1).
Genome position (GRCh38, 1-based): chr4:1,001,689, C>G. VCF-style: chr4-1001689-C-G. GRCh37 (hg19) VCF-style: chr4-995477-C-G.
Other names: c.204C>G, p.Asn68Lys (NM_001363576.1); short protein forms N68K, N200K.
Identifiers: ClinVar variation 1430547 (VCV001430547.6), dbSNP rs763375487, ClinGen allele CA2802027.
Genomic context (GRCh38, chr4:1,001,689, plus strand): 5'-AAGCCGCTCATCCCCAGGGCAGGTGTAGACGCAGTGCTCCCCCGGCCCAGGCTTCCTGAA[C>G]TACTACGATGCCTGCTCGGAGGGTCTGCGCGCCGCCAGCCCCGCCCTGCGGCTGGGAGGC-3'
Protein context (NP_000194.2, residues 190-210): NVSMTMQGFL[Asn200Lys]YYDACSEGLR